The following is an entry in ClinVar:

NM_201550.4(LRRC10):c.128G>A (p.Arg43His)

Gene: LRRC10 (leucine rich repeat containing 10; minus strand). Cytogenetic location: 12q15.
Variant type: single nucleotide variant.
Coding change: c.128G>A on transcript NM_201550.4 (MANE Select); coding-DNA position 128, G replaced by A.
Protein change: p.Arg43His; replaces arginine 43 with histidine.
Molecular consequence: missense variant.
Genome position (GRCh38, 1-based): chr12:69,610,711, C>T on the plus strand (G>A on the coding strand, the complement: LRRC10 is on the minus strand). VCF-style: chr12-69610711-C-T. GRCh37 (hg19) VCF-style: chr12-70004491-C-T.
Other names: c.128G>A (NM_201550.2); short protein forms R43H.
Identifiers: ClinVar variation 2990816 (VCV002990816.4), dbSNP rs774525656, ClinGen allele CA6681134.

ClinVar aggregate classification (germline): Uncertain significance. Review status: criteria provided, multiple submitters, no conflicts (2 of 4 stars). 2 submissions from 2 submitters: Uncertain significance (2). Last evaluated 2025-08-27.

Allele frequency attached by ClinVar (database versions not stated): gnomAD 0.00003; TOPMed 0.00002; gnomAD exomes 0.00002; ExAC 0.00002.

Submissions (2):

Ambry Genetics
Classification: Uncertain significance. Last evaluated: 2025-08-27. Review status: criteria provided, single submitter. Criteria: Ambry Variant Classification Scheme 2023. Collection method: clinical testing. Allele origin: germline.

Labcorp Genetics (formerly Invitae), Labcorp
Classification: Uncertain significance. Last evaluated: 2024-10-27. Review status: criteria provided, single submitter. Criteria: Invitae Variant Classification Sherloc (09022015). Collection method: clinical testing. Allele origin: germline.
Comment: This sequence change replaces arginine, which is basic and polar, with histidine, which is basic and polar, at codon 43 of the LRRC10 protein (p.Arg43His). This variant is present in population databases (rs774525656, gnomAD 0.01%). This variant has not been reported in the literature in individuals affected with LRRC10-related conditions. An algorithm developed to predict the effect of missense changes on protein structure and function (PolyPhen-2) suggests that this variant is likely to be tolerated. In summary, the available evidence is currently insufficient to determine the role of this variant in disease. Therefore, it has been classified as a Variant of Uncertain Significance.